The following is an entry in ClinVar:

ClinVar aggregate classification (germline): Pathogenic (1 of 4 stars; one submission).

Submission:

Labcorp Genetics (formerly Invitae), Labcorp
Classification: Pathogenic. Last evaluated: 2024-02-25. Review status: criteria provided, single submitter. Criteria: Invitae Variant Classification Sherloc (09022015). Collection method: clinical testing. Allele origin: germline.
Comment: This sequence change creates a premature translational stop signal (p.Phe539Leufs*7) in the ABCC2 gene. It is expected to result in an absent or disrupted protein product. Loss-of-function variants in ABCC2 are known to be pathogenic (PMID: 9185779, 16549534, 16952291). This variant is present in population databases (no rsID available, gnomAD 0.007%). This variant has not been reported in the literature in individuals affected with ABCC2-related conditions. For these reasons, this variant has been classified as Pathogenic.

Literature cited by the submitters: PubMed 9185779; PubMed 16549534; PubMed 16952291.

NM_000392.5(ABCC2):c.1617del (p.Phe539fs)

Gene: ABCC2 (ATP binding cassette subfamily C member 2; plus strand). Cytogenetic location: 10q24.2.
Variant type: Deletion.
Coding change: c.1617del on transcript NM_000392.5 (MANE Select); coding-DNA position 1617, one base deleted (T; older notation c.1617delT).
Protein change: p.Phe539fs; shifts the reading frame from phenylalanine 539.
Molecular consequence: frameshift variant.
Genome position (GRCh38, 1-based): chr10:99,807,470, T deleted; the last of 3 consecutive T bases (chr10:99,807,468-99,807,470); deleting any one gives the same sequence. VCF-style (leftmost placement, unchanged base first): chr10-99807467-CT-C. GRCh37 (hg19) VCF-style: chr10-101567224-CT-C.
Other names: short protein forms F539fs.
Identifiers: ClinVar variation 3681295 (VCV003681295.2).
Genomic context (GRCh38, chr10:99,807,467, plus strand): 5'-ACCTTCATTCAGAGACCAAGTACAAAACCTCCGGAAGAAAGAGCTCAAGAACCTGCTGGC[CT>C]TTAGTCAACTACAGTGTGTAGTAATATTCGTCTTCCAGTTAACTCCAGTCCTGGTGAGTA-3'